The following is an entry in ClinVar:

ClinVar aggregate classification (germline): Uncertain significance (1 of 4 stars; one submission).

Conditions:
Pancreatic adenocarcinoma. Identifiers: MedGen C0281361, MONDO:0006047, HP:0006725.

Allele frequency attached by ClinVar (database versions not stated): gnomAD exomes below 0.00001.
gnomAD v4.1: 1 of 1,614,138 alleles (0.000062%); highest among the groups gnomAD compares: Non-Finnish European, 0.000085%; no homozygotes.

Submission:

Labcorp Genetics (formerly Invitae), Labcorp
Classification: Uncertain significance for Pancreatic adenocarcinoma. Last evaluated: 2023-10-26. Review status: criteria provided, single submitter. Criteria: Invitae Variant Classification Sherloc (09022015). Collection method: clinical testing. Allele origin: germline.
Comment: This sequence change replaces methionine, which is neutral and non-polar, with valine, which is neutral and non-polar, at codon 572 of the PALLD protein (p.Met572Val). This variant is not present in population databases (gnomAD no frequency). This variant has not been reported in the literature in individuals affected with PALLD-related conditions. ClinVar contains an entry for this variant (Variation ID: 938096). An algorithm developed to predict the effect of missense changes on protein structure and function (PolyPhen-2) suggests that this variant is likely to be tolerated. In summary, the available evidence is currently insufficient to determine the role of this variant in disease. Therefore, it has been classified as a Variant of Uncertain Significance.

NM_001166108.2(PALLD):c.3226A>G (p.Met1076Val)

Genes: CBR4 (carbonyl reductase 4; minus strand), PALLD (palladin, cytoskeletal associated protein; plus strand). Cytogenetic location: 4q32.3.
Variant type: single nucleotide variant.
Coding change: c.3226A>G on transcript NM_001166108.2 (MANE Select); coding-DNA position 3226, A replaced by G.
Protein change: p.Met1076Val; replaces methionine 1076 with valine.
Molecular consequence: missense variant.
Genome position (GRCh38, 1-based): chr4:168,924,946, A>G. VCF-style: chr4-168924946-A-G. GRCh37 (hg19) VCF-style: chr4-169846097-A-G.
Other names: c.2029A>G, p.Met677Val (NM_001166109.2); c.1714A>G, p.Met572Val (NM_001166110.2); c.1054A>G, p.Met352Val (NM_001367567.1, NM_001367569.1); c.1105A>G, p.Met369Val (NM_001367568.1, NM_001367570.1); c.3175A>G, p.Met1059Val (NM_016081.4); short protein forms M1076V, M369V, M572V, M1059V, M677V, M352V.
Identifiers: ClinVar variation 938096 (VCV000938096.9), dbSNP rs1582249226, ClinGen allele CA358713364.
Genomic context (GRCh38, chr4:168,924,946, plus strand): 5'-CATGTCCAAAGCCACTTTTAAAAAATTTAGAACCCTAATGACTTTATCCTTTTCTCCAGC[A>G]TGCACCAGGACAACCACGGCTACATCTGCCTGCTCATTCAGGGAGCCACAAAAGAAGATG-3'
Protein context (NP_001159580.1, residues 1066-1086): SLTHSTDRVS[Met1076Val]HQDNHGYICL